The following is an entry in ClinVar:

ClinVar aggregate classification (germline): Pathogenic (1 of 4 stars; one submission).

Conditions:
Neurofibromatosis, type 1 (NF1). Also called: Peripheral type neurofibromatosis; VON RECKLINGHAUSEN DISEASE; NEUROFIBROMATOSIS, TYPE I, SOMATIC; Neurofibromatosis, type I. Identifiers: Orphanet 636, MedGen C0027831, MONDO:0018975, OMIM 162200. Disease mechanism: loss of function.

Submission:

Labcorp Genetics (formerly Invitae), Labcorp
Classification: Pathogenic for Neurofibromatosis, type 1. Last evaluated: 2021-03-09. Review status: criteria provided, single submitter. Criteria: Invitae Variant Classification Sherloc (09022015). Collection method: clinical testing. Allele origin: germline.
Comment: For these reasons, this variant has been classified as Pathogenic. Algorithms developed to predict the effect of sequence changes on RNA splicing suggest that this variant may disrupt the consensus splice site, but this prediction has not been confirmed by published transcriptional studies. Disruption of this splice site has been observed in individual(s) with neurofibromatosis type 1 (PMID: 10712197). This variant is not present in population databases (ExAC no frequency). This sequence change affects an acceptor splice site in intron 53 of the NF1 gene. It is expected to disrupt RNA splicing. Variants that disrupt the donor or acceptor splice site typically lead to a loss of protein function (PMID: 16199547), and loss-of-function variants in NF1 are known to be pathogenic (PMID: 10712197, 23913538).

Literature cited by the submitters: PubMed 10712197; PubMed 16199547; PubMed 23913538.

NM_001042492.3(NF1):c.7971-2del

Gene: NF1 (neurofibromin 1; plus strand). Cytogenetic location: 17q11.2.
Variant type: Deletion.
Coding change: c.7971-2del on transcript NM_001042492.3 (MANE Select); the canonical splice acceptor site of the intron before coding-DNA position 7971, one base deleted (A; older notation c.7971-2delA).
Molecular consequence: splice acceptor variant.
Genome position (GRCh38, 1-based): chr17:31,358,478, A deleted. VCF-style (leftmost placement, unchanged base first): chr17-31358477-TA-T. GRCh37 (hg19) VCF-style: chr17-29685495-TA-T.
Other names: c.7908-2del (NM_000267.4).
Identifiers: ClinVar variation 1434650 (VCV001434650.8), dbSNP rs2151584780, ClinGen allele CA2573153456.